The following is an entry in ClinVar:

NM_000388.4(CASR):c.224T>C (p.Ile75Thr)

Gene: CASR (calcium sensing receptor; plus strand). Cytogenetic location: 3q21.1.
Variant type: single nucleotide variant.
Coding change: c.224T>C on transcript NM_000388.4 (MANE Select); coding-DNA position 224, T replaced by C.
Protein change: p.Ile75Thr; replaces isoleucine 75 with threonine.
Molecular consequence: missense variant.
Genome position (GRCh38, 1-based): chr3:122,257,119, T>C. VCF-style: chr3-122257119-T-C. GRCh37 (hg19) VCF-style: chr3-121975966-T-C.
Other names: c.224T>C, p.Ile75Thr (NM_001178065.2); short protein forms I75T.
Identifiers: ClinVar variation 1393899 (VCV001393899.8), dbSNP rs2107627470, ClinGen allele CA354362428.

ClinVar aggregate classification (germline): Uncertain significance (1 of 4 stars; one submission).

Conditions:
Familial hypocalciuric hypercalcemia (FHH). Also called: Familial benign hypercalcemia. Identifiers: Orphanet 405, MedGen C1809471, MONDO:0018458.
Autosomal dominant hypocalcemia 1 (HYPOC1). Also called: HYPOCALCEMIA, FAMILIAL. Identifiers: MedGen C3715128, MONDO:0011013, OMIM 601198.

Submission:

Labcorp Genetics (formerly Invitae), Labcorp
Classification: Uncertain significance for Familial hypocalciuric hypercalcemia; Autosomal dominant hypocalcemia 1. Last evaluated: 2024-07-29. Review status: criteria provided, single submitter. Criteria: Invitae Variant Classification Sherloc (09022015). Collection method: clinical testing. Allele origin: germline.
Comment: This sequence change replaces isoleucine, which is neutral and non-polar, with threonine, which is neutral and polar, at codon 75 of the CASR protein (p.Ile75Thr). This variant is not present in population databases (gnomAD no frequency). This variant has not been reported in the literature in individuals affected with CASR-related conditions. ClinVar contains an entry for this variant (Variation ID: 1393899). An algorithm developed to predict the effect of missense changes on protein structure and function (PolyPhen-2) suggests that this variant is likely to be disruptive. In summary, the available evidence is currently insufficient to determine the role of this variant in disease. Therefore, it has been classified as a Variant of Uncertain Significance.